The following is an entry in ClinVar:

NM_001035.3(RYR2):c.12385T>C (p.Phe4129Leu)

Gene: RYR2 (ryanodine receptor 2; plus strand). Cytogenetic location: 1q43.
Variant type: single nucleotide variant.
Coding change: c.12385T>C on transcript NM_001035.3 (MANE Select); coding-DNA position 12385, T replaced by C.
Protein change: p.Phe4129Leu; replaces phenylalanine 4129 with leucine.
Molecular consequence: missense variant.
Genome position (GRCh38, 1-based): chr1:237,784,097, T>C. VCF-style: chr1-237784097-T-C. GRCh37 (hg19) VCF-style: chr1-237947397-T-C.
Other names: c.12385T>C, p.Phe4129Leu (LRG_402t1); short protein forms F4129L.
Identifiers: ClinVar variation 644175 (VCV000644175.10), dbSNP rs1573934226, ClinGen allele CA345413102.

ClinVar aggregate classification (germline): Uncertain significance (1 of 4 stars; one submission).

Conditions:
Catecholaminergic polymorphic ventricular tachycardia 1. Also called: RYR2-Related Catecholaminergic Polymorphic Ventricular Tachycardia; VENTRICULAR TACHYCARDIA, STRESS-INDUCED POLYMORPHIC 1; VENTRICULAR TACHYCARDIA, CATECHOLAMINERGIC POLYMORPHIC, 1, WITH OR WITHOUT ATRIAL DYSFUNCTION AND/OR DILATED CARDIOMYOPATHY. Identifiers: Orphanet 3286, MedGen C1631597, MONDO:0011484, OMIM 604772.

Submission:

Labcorp Genetics (formerly Invitae), Labcorp
Classification: Uncertain significance for Catecholaminergic polymorphic ventricular tachycardia 1. Last evaluated: 2022-03-09. Review status: criteria provided, single submitter. Criteria: Invitae Variant Classification Sherloc (09022015). Collection method: clinical testing. Allele origin: germline.
Comment: In summary, the available evidence is currently insufficient to determine the role of this variant in disease. Therefore, it has been classified as a Variant of Uncertain Significance. This variant disrupts the p.Phe4129 amino acid residue in RYR2. Other variant(s) that disrupt this residue have been observed in individuals with RYR2-related conditions (PMID: 29434162), which suggests that this may be a clinically significant amino acid residue. Advanced modeling of protein sequence and biophysical properties (such as structural, functional, and spatial information, amino acid conservation, physicochemical variation, residue mobility, and thermodynamic stability) performed at Invitae indicates that this missense variant is expected to disrupt RYR2 protein function. ClinVar contains an entry for this variant (Variation ID: 644175). This missense change has been observed in individual(s) with clinical features of RYR2-related conditions (Invitae). This variant is not present in population databases (gnomAD no frequency). This sequence change replaces phenylalanine, which is neutral and non-polar, with leucine, which is neutral and non-polar, at codon 4129 of the RYR2 protein (p.Phe4129Leu).

Literature cited by the submitters: PubMed 29434162.